The following is an entry in ClinVar:

ClinVar aggregate classification (germline): Uncertain significance (1 of 4 stars; one submission).

Conditions:
POLD1-related polyposis and colorectal cancer syndrome (CRCS10). Also called: COLORECTAL CANCER, SUSCEPTIBILITY TO, ON CHROMOSOME 19q; Colorectal cancer 10; Colorectal cancer, susceptibility to, 10. Identifiers: Orphanet 220460, MedGen C2675481, MONDO:0012953, OMIM 612591.

Submission:

Labcorp Genetics (formerly Invitae), Labcorp
Classification: Uncertain significance for POLD1-related polyposis and colorectal cancer syndrome. Last evaluated: 2025-11-06. Review status: criteria provided, single submitter. Criteria: Invitae Variant Classification Sherloc (09022015). Collection method: clinical testing. Allele origin: germline.
Comment: This sequence change replaces alanine, which is neutral and non-polar, with serine, which is neutral and polar, at codon 935 of the POLD1 protein (p.Ala935Ser). This variant is not present in population databases (gnomAD no frequency). This variant has not been reported in the literature in individuals affected with POLD1-related conditions. Invitae Evidence Modeling of protein sequence and biophysical properties (such as structural, functional, and spatial information, amino acid conservation, physicochemical variation, residue mobility, and thermodynamic stability) indicates that this missense variant is not expected to disrupt POLD1 protein function with a negative predictive value of 80%. In summary, the available evidence is currently insufficient to determine the role of this variant in disease. Therefore, it has been classified as a Variant of Uncertain Significance.

NM_002691.4(POLD1):c.2803G>T (p.Ala935Ser)

Gene: POLD1 (DNA polymerase delta 1, catalytic subunit; plus strand). Cytogenetic location: 19q13.33.
Variant type: single nucleotide variant.
Coding change: c.2803G>T on transcript NM_002691.4 (MANE Select); coding-DNA position 2803, G replaced by T.
Protein change: p.Ala935Ser; replaces alanine 935 with serine.
Molecular consequence: missense variant.
Genome position (GRCh38, 1-based): chr19:50,415,809, G>T. VCF-style: chr19-50415809-G-T. GRCh37 (hg19) VCF-style: chr19-50919066-G-T.
Other names: c.2731G>T, p.Ala911Ser (NM_001438210.1, NM_001438211.1); c.2803G>T, p.Ala935Ser (NM_001438212.1, NM_001438213.1, NM_001256849.1); c.2881G>T, p.Ala961Ser (NM_001308632.1); short protein forms A911S, A961S, A935S.
Identifiers: ClinVar variation 4741245 (VCV004741245.1).